The following is an entry in ClinVar:

ClinVar aggregate classification (germline): Uncertain significance (1 of 4 stars; one submission).

gnomAD v4.1: 1 of 1,531,236 alleles (0.000065%); highest among the groups gnomAD compares: Non-Finnish European, 0.000087%; no homozygotes.

Submission:

Ambry Genetics
Classification: Uncertain significance. Last evaluated: 2025-08-31. Review status: criteria provided, single submitter. Criteria: Ambry Variant Classification Scheme 2023. Collection method: clinical testing. Allele origin: germline.
Comment: The c.22G>A (p.V8I) alteration is located in exon (coding exon ) of the USP40 gene. This alteration results from a G to A substitution at nucleotide position 22, causing the valine (V) at amino acid position 8 to be replaced by an isoleucine (I). Based on insufficient or conflicting evidence, the clinical significance of this alteration remains unclear.

NM_001365479.2(USP40):c.-15G>A

Gene: USP40 (ubiquitin specific peptidase 40; minus strand). Cytogenetic location: 2q37.1.
Variant type: single nucleotide variant.
Coding change: c.-15G>A on transcript NM_001365479.2 (MANE Select); 15 bases upstream of the start codon, G replaced by A.
Molecular consequence: 5 prime UTR variant. On other transcripts: non-coding transcript variant (6), splice acceptor variant (1).
Genome position (GRCh38, 1-based): chr2:233,565,569, C>T on the plus strand (G>A on the coding strand, the complement: USP40 is on the minus strand). VCF-style: chr2-233565569-C-T. GRCh37 (hg19) VCF-style: chr2-234474215-C-T.
Other names: c.-15G>A (NM_018218.4, NM_001382296.1, NM_001382297.1 and 5 more transcripts); c.-14-1G>A (NM_001382295.1).
Identifiers: ClinVar variation 4197627 (VCV004197627.1).